The following is an entry in ClinVar:

NM_001371596.2(MFSD8):c.917T>C (p.Val306Ala)

Gene: MFSD8 (major facilitator superfamily domain containing 8; minus strand). Cytogenetic location: 4q28.2.
Variant type: single nucleotide variant.
Coding change: c.917T>C on transcript NM_001371596.2 (MANE Select); coding-DNA position 917, T replaced by C.
Protein change: p.Val306Ala; replaces valine 306 with alanine.
Molecular consequence: missense variant.
Genome position (GRCh38, 1-based): chr4:127,930,764, A>G on the plus strand (T>C on the coding strand, the complement: MFSD8 is on the minus strand). VCF-style: chr4-127930764-A-G. GRCh37 (hg19) VCF-style: chr4-128851919-A-G.
Other names: c.716T>C, p.Val239Ala (NM_001363520.3); c.602T>C, p.Val201Ala (NM_001363521.3); c.782T>C, p.Val261Ala (NM_001371590.2); c.917T>C, p.Val306Ala (NM_001371591.2, NM_152778.4); c.923T>C, p.Val308Ala (NM_001371592.2); c.803T>C, p.Val268Ala (NM_001371593.2, NM_001410766.1); c.770T>C, p.Val257Ala (NM_001371594.2); c.635T>C, p.Val212Ala (NM_001371595.1); and 1 more; short protein forms V156A, V201A, V212A, V239A, V257A, V261A, V268A, V306A.
Identifiers: ClinVar variation 1806324 (VCV001806324.2), dbSNP rs200971312, ClinGen allele CA3077338.
Genomic context (GRCh38, chr4:127,930,764, plus strand): 5'-CCTAAGAAAATAACAACGGCTTCAACCCCAAGAGCAGCAAGTATTATGCCATTATATAAC[A>G]CAGCTTGTTCTTGAGTCCAGGCATACATATCCATTGTTAATGGAGTAATGATGCTAAGAA-3'
Protein context (NP_001358525.1, residues 296-316): DMYAWTQEQA[Val306Ala]LYNGIILAAL

ClinVar aggregate classification (germline): Uncertain significance. Review status: criteria provided, multiple submitters, no conflicts (2 of 4 stars). 2 submissions from 2 submitters: Uncertain significance (2). Last evaluated 2020-11-23.

Conditions:
Neuronal ceroid lipofuscinosis 7 (CLN7). Also called: MFSD8-Related Neuronal Ceroid-Lipofuscinosis. Identifiers: Orphanet 168491, Orphanet 228366, MedGen C1838571, MONDO:0012588, OMIM 610951.

Allele frequency attached by ClinVar (database versions not stated): ExAC 0.00001; gnomAD 0.00002; TOPMed 0.00002; gnomAD exomes 0.00005; 1000 Genomes Project 30x 0.00016; 1000 Genomes Project 0.00020.
gnomAD v4.1: 80 of 1,613,182 alleles (0.005%); highest among the groups gnomAD compares: Non-Finnish European, 0.0065%; no homozygotes.

Submissions (2):

Blueprint Genetics
Classification: Uncertain significance. Last evaluated: 2020-11-23. Review status: criteria provided, single submitter. Criteria: ACMG Guidelines, 2015. Collection method: clinical testing. Allele origin: germline.

Victorian Clinical Genetics Services, Murdoch Childrens Research Institute
Classification: Uncertain significance for Neuronal ceroid lipofuscinosis 7. Last evaluated: 2020-10-19. Review status: criteria provided, single submitter. Criteria: ACMG Guidelines, 2015. Collection method: clinical testing. Allele origin: germline. Inheritance: Autosomal recessive inheritance. Affected: yes.
Comment: Based on the classification scheme VCGS_Germline_v1.3.3, this variant is classified as 3B-VUS. Following criteria are met: 0102 - Loss of function is a known mechanism of disease in this gene and is associated with neuronal ceroid lipofuscinosis 7 (MIM#610951). (I) 0106 - This gene is associated with autosomal recessive disease. (I) 0200 - Variant is predicted to result in a missense amino acid change from valine to alanine. (I) 0251 - This variant is heterozygous. (I) 0304 - Variant is present in gnomAD (v2) <0.01 for a recessive condition (7 heterozygotes, 0 homozygotes). (SP) 0502 - Missense variant with conflicting in silico predictions and very high conservation. (I) 0600 - Variant is located in the annotated major facilitator superfamily domain (NCBI, PDB). (I) 0705 - No comparable missense variants have previous evidence for pathogenicity. (I) 0807 - This variant has no previous evidence of pathogenicity. (I) 0905 - No published segregation evidence has been identified for this variant. (I) 1007 - No published functional evidence has been identified for this variant. (I) 1208 - Inheritance information for this variant is not currently available in this individual. (I) Legend: (SP) - Supporting pathogenic, (I) - Information, (SB) - Supporting benign